The following is an entry in ClinVar:

NM_000807.4(GABRA2):c.520C>A (p.Pro174Thr)

Gene: GABRA2 (gamma-aminobutyric acid type A receptor subunit alpha2; minus strand). Cytogenetic location: 4p12.
Variant type: single nucleotide variant.
Coding change: c.520C>A on transcript NM_000807.4 (MANE Select); coding-DNA position 520, C replaced by A.
Protein change: p.Pro174Thr; replaces proline 174 with threonine.
Molecular consequence: missense variant.
Genome position (GRCh38, 1-based): chr4:46,310,212, G>T on the plus strand (C>A on the coding strand, the complement: GABRA2 is on the minus strand). VCF-style: chr4-46310212-G-T. GRCh37 (hg19) VCF-style: chr4-46312229-G-T.
Other names: c.520C>A, p.Pro174Thr (NM_001114175.3, NM_001330690.2, NM_001377144.1 and 8 more transcripts); c.355C>A, p.Pro119Thr (NM_001286827.3, NM_001377152.1, NM_001377153.1 and 1 more transcripts); short protein forms P119T, P174T.
Identifiers: ClinVar variation 1934813 (VCV001934813.5), dbSNP rs2475679540, ClinGen allele CA356798998.

ClinVar aggregate classification (germline): Uncertain significance (1 of 4 stars; one submission).

Allele frequency attached by ClinVar (database versions not stated): gnomAD exomes below 0.00001.
gnomAD v4.1: 1 of 1,613,434 alleles (0.000062%); highest among the groups gnomAD compares: Non-Finnish European, 0.000085%; no homozygotes.

Submission:

Labcorp Genetics (formerly Invitae), Labcorp
Classification: Uncertain significance. Last evaluated: 2022-09-27. Review status: criteria provided, single submitter. Criteria: Invitae Variant Classification Sherloc (09022015). Collection method: clinical testing. Allele origin: germline.
Comment: This sequence change replaces proline, which is neutral and non-polar, with threonine, which is neutral and polar, at codon 174 of the GABRA2 protein (p.Pro174Thr). This variant is not present in population databases (gnomAD no frequency). This variant has not been reported in the literature in individuals affected with GABRA2-related conditions. Algorithms developed to predict the effect of missense changes on protein structure and function are either unavailable or do not agree on the potential impact of this missense change (SIFT: "Not Available"; PolyPhen-2: "Possibly Damaging"; Align-GVGD: "Not Available"). In summary, the available evidence is currently insufficient to determine the role of this variant in disease. Therefore, it has been classified as a Variant of Uncertain Significance.